The following is an entry in ClinVar:

NM_001330691.3(CEP78):c.1066del (p.Ile356fs)

Gene: CEP78 (centrosomal protein 78; plus strand). Cytogenetic location: 9q21.2.
Variant type: Deletion.
Coding change: c.1066del on transcript NM_001330691.3 (MANE Select); coding-DNA position 1066, one base deleted (A; older notation c.1066delA).
Protein change: p.Ile356fs; shifts the reading frame from isoleucine 356.
Molecular consequence: frameshift variant.
Genome position (GRCh38, 1-based): chr9:78,248,870, A deleted; the last of 2 consecutive A bases (chr9:78,248,869-78,248,870); deleting either gives the same sequence. VCF-style (leftmost placement, unchanged base first): chr9-78248868-GA-G. GRCh37 (hg19) VCF-style: chr9-80863784-GA-G.
Other names: c.1066del, p.Ile356fs (NM_001098802.3, NM_001330693.3, NM_001330694.2 and 4 more transcripts); short protein forms I356fs.
Identifiers: ClinVar variation 4711653 (VCV004711653.1).

ClinVar aggregate classification (germline): Pathogenic (1 of 4 stars; one submission).

Submission:

Labcorp Genetics (formerly Invitae), Labcorp
Classification: Pathogenic. Last evaluated: 2025-02-10. Review status: criteria provided, single submitter. Criteria: Invitae Variant Classification Sherloc (09022015). Collection method: clinical testing. Allele origin: germline.
Comment: This sequence change creates a premature translational stop signal (p.Ile356Leufs*2) in the CEP78 gene. It is expected to result in an absent or disrupted protein product. Loss-of-function variants in CEP78 are known to be pathogenic (PMID: 27588451, 27588452, 27627988). This variant is not present in population databases (gnomAD no frequency). This variant has not been reported in the literature in individuals affected with CEP78-related conditions. For these reasons, this variant has been classified as Pathogenic.

Literature cited by the submitters: PubMed 27588451; PubMed 27588452; PubMed 27627988.